The following is an entry in ClinVar:

ClinVar aggregate classification (germline): Likely pathogenic (1 of 4 stars; one submission).

Conditions:
Deeah syndrome. Also called: DEVELOPMENTAL DELAY WITH ENDOCRINE, EXOCRINE, AUTONOMIC, AND HEMATOLOGIC ABNORMALITIES. Identifiers: Orphanet 686495, MedGen C5436579, MONDO:0033561, OMIM 619004.
Neurodevelopmental disorder with dysmorphic facies, impaired speech, and hypotonia. Identifiers: MedGen C5436585, MONDO:0033562, OMIM 619005.

Submission:

Juno Genomics, Hangzhou Juno Genomics, Inc
Classification: Likely pathogenic for Deeah syndrome; Neurodevelopmental disorder with dysmorphic facies, impaired speech, and hypotonia. Review status: criteria provided, single submitter. Criteria: ACMG Guidelines, 2015. Collection method: clinical testing. Allele origin: germline.
Comment: Null variant in a gene where loss of function (LOF) is a known mechanism of disease.;Absent from controls (or at extremely low frequency if recessive) in Genome Aggregation Database.

NM_001376571.1(MADD):c.2375dup (p.Tyr792Ter)

Gene: MADD (MAP kinase activating death domain; plus strand). Cytogenetic location: 11p11.2.
Variant type: Duplication.
Coding change: c.2375dup on transcript NM_001376571.1 (MANE Select); coding-DNA position 2375, one base duplicated (A; older notation c.2375dupA).
Protein change: p.Tyr792Ter; replaces tyrosine 792 with a stop codon.
Molecular consequence: nonsense. On other transcripts: non-coding transcript variant (5), intron variant (55).
Genome position (GRCh38, 1-based): chr11:47,285,158, A duplicated. VCF-style (leftmost placement, unchanged base first): chr11-47285157-T-TA. GRCh37 (hg19) VCF-style: chr11-47306708-T-TA.
Other names: c.2375dup, p.Tyr792Ter (NM_001376572.1, NM_001376573.1, NM_001376574.1 and 33 more transcripts); c.2171dup, p.Tyr724Ter (NM_001376620.1, NM_001376626.1, NM_001376648.1 and 1 more transcripts); c.1709dup, p.Tyr570Ter (NM_001376663.1); c.2282+93dup (NM_001376651.1, NM_001376641.1, NM_001376595.1 and 43 more transcripts); c.2258+93dup (NM_001376602.1); c.2078+93dup (NM_001376627.1, NM_001376659.1, NM_001376635.1 and 5 more transcripts); short protein forms Y570*, Y792*, Y724*.
Identifiers: ClinVar variation 5007874 (VCV005007874.2).
Genomic context (GRCh38, chr11:47,285,157, plus strand): 5'-TACTTCGAGCCCCAATATGGCTTTCCCCCTGAGGAAGATGAGGATGAGCAGGGGGAAAGT[T>TA]ACACTCCCCGATTCAGCCAACATGTCAGTGGCAATCGGTGAGAGCCTGGGCATCCCTTCT-3'